The following is an entry in ClinVar:

NM_001384140.1(PCDH15):c.4202+129_4202+132del

Gene: PCDH15 (protocadherin related 15; minus strand). Cytogenetic location: 10q21.1.
Variant type: Microsatellite.
Coding change: c.4202+129_4202+132del on transcript NM_001384140.1 (MANE Select); bases 129 to 132 of the intron after coding-DNA position 4202, 4 bases deleted (GTCT; older notation c.4202+129_4202+132delGTCT).
Molecular consequence: intron variant.
Genome position (GRCh38, 1-based): chr10:53,831,183-53,831,186, AGAC deleted on the plus strand (GTCT on the coding strand, the reverse complement: PCDH15 is on the minus strand); deleting any 4 consecutive bases within chr10:53,831,183-53,831,193 gives the same sequence; the c. name uses the placement nearest the transcript's 3' end. VCF-style (leftmost placement, unchanged base first): chr10-53831182-TAGAC-T. GRCh37 (hg19) VCF-style: chr10-55590942-TAGAC-T.
Other names: c.4202+129_4202+132del (NM_001354420.2, NM_001354429.2, NM_001142772.2 and 4 more transcripts); c.4217+129_4217+132del (NM_001142771.2, NM_001142763.2); c.4223+129_4223+132del (NM_001354411.2); c.4238+129_4238+132del (NM_001142769.3); c.4136+129_4136+132del (NM_001354404.2, NM_001142773.2, NM_001142768.2); c.4091+129_4091+132del (NM_001142767.2); c.3989+129_3989+132del (NM_001142765.2).
Identifiers: ClinVar variation 678865 (VCV000678865.1), dbSNP rs59637951, ClinGen allele CA5505441.

ClinVar aggregate classification (germline): Benign (1 of 4 stars; one submission).

Submission:

GeneDx
Classification: Benign. Last evaluated: 2018-06-14. Review status: criteria provided, single submitter. Criteria: GeneDx Variant Classification (06012015). Collection method: clinical testing. Allele origin: germline. Affected: yes.
Comment: This variant is considered likely benign or benign based on one or more of the following criteria: it is a conservative change, it occurs at a poorly conserved position in the protein, it is predicted to be benign by multiple in silico algorithms, and/or has population frequency not consistent with disease.